The following is an entry in ClinVar:

NM_020806.5(GPHN):c.1667G>A (p.Arg556Gln)

Gene: GPHN (gephyrin; plus strand). Cytogenetic location: 14q23.3.
Variant type: single nucleotide variant.
Coding change: c.1667G>A on transcript NM_020806.5 (MANE Select); coding-DNA position 1667, G replaced by A.
Protein change: p.Arg556Gln; replaces arginine 556 with glutamine.
Molecular consequence: missense variant.
Genome position (GRCh38, 1-based): chr14:67,122,296, G>A. VCF-style: chr14-67122296-G-A. GRCh37 (hg19) VCF-style: chr14-67589013-G-A.
Other names: c.1568G>A, p.Arg523Gln (NM_001024218.2); c.1727G>A, p.Arg576Gln (NM_001377514.1); c.1697G>A, p.Arg566Gln (NM_001377515.1); c.1688G>A, p.Arg563Gln (NM_001377516.1); c.1640G>A, p.Arg547Gln (NM_001377517.1); c.1625G>A, p.Arg542Gln (NM_001377518.1); c.1607G>A, p.Arg536Gln (NM_001377519.1); short protein forms R523Q, R536Q, R542Q, R547Q, R556Q, R563Q, R566Q, R576Q.
Identifiers: ClinVar variation 1718834 (VCV001718834.5), dbSNP rs1184283854, ClinGen allele CA390259140.

ClinVar aggregate classification (germline): Uncertain significance (1 of 4 stars; one submission).

Conditions:
Sulfite oxidase deficiency due to molybdenum cofactor deficiency type C. Also called: Molybdenum cofactor deficiency, complementation group C; Molybdenum cofactor deficiency C. Identifiers: Orphanet 308400, Orphanet 833, MedGen C1854990, MONDO:0014212, OMIM 615501.

Allele frequency attached by ClinVar (database versions not stated): gnomAD exomes below 0.00001.
gnomAD v4.1: 2 of 1,613,320 alleles (0.00012%); highest among the groups gnomAD compares: South Asian, 0.0011%; no homozygotes.

Submission:

Labcorp Genetics (formerly Invitae), Labcorp
Classification: Uncertain significance for Sulfite oxidase deficiency due to molybdenum cofactor deficiency type C. Last evaluated: 2022-09-04. Review status: criteria provided, single submitter. Criteria: Invitae Variant Classification Sherloc (09022015). Collection method: clinical testing. Allele origin: germline.
Comment: This sequence change replaces arginine, which is basic and polar, with glutamine, which is neutral and polar, at codon 556 of the GPHN protein (p.Arg556Gln). In summary, the available evidence is currently insufficient to determine the role of this variant in disease. Therefore, it has been classified as a Variant of Uncertain Significance. Algorithms developed to predict the effect of missense changes on protein structure and function are either unavailable or do not agree on the potential impact of this missense change (SIFT: "Tolerated"; PolyPhen-2: "Probably Damaging"; Align-GVGD: "Class C0"). This variant has not been reported in the literature in individuals affected with GPHN-related conditions. This variant is present in population databases (no rsID available, gnomAD 0.004%).